The following is an entry in ClinVar:

NM_002204.4(ITGA3):c.2466C>T (p.Tyr822=)

Gene: ITGA3 (integrin subunit alpha 3; plus strand). Cytogenetic location: 17q21.33.
Variant type: single nucleotide variant.
Coding change: c.2466C>T on transcript NM_002204.4 (MANE Select); coding-DNA position 2466, C replaced by T.
Protein change: p.Tyr822=; no amino-acid change (tyrosine 822 retained).
Molecular consequence: synonymous variant.
Genome position (GRCh38, 1-based): chr17:50,079,141, C>T. VCF-style: chr17-50079141-C-T. GRCh37 (hg19) VCF-style: chr17-48156505-C-T.
Identifiers: ClinVar variation 3051588 (VCV003051588.4), dbSNP rs372839861, ClinGen allele CA8641942.

ClinVar aggregate classification (germline): Likely benign. Review status: criteria provided, single submitter (1 of 4 stars). 2 submissions from 2 submitters: Likely benign (1). 1 of the submissions does not count toward it. Last evaluated 2025-05-15.

Conditions:
ITGA3-related disorder. Also called: ITGA3-related condition.

Allele frequency attached by ClinVar (database versions not stated): ESP Exome Variant Server 0.00008; ExAC 0.00011; gnomAD exomes 0.00007; TOPMed 0.00008; gnomAD 0.00008.
gnomAD v4.1: 118 of 1,613,738 alleles (0.0073%); highest among the groups gnomAD compares: Middle Eastern, 0.016%; no homozygotes.

Submissions (2):

Labcorp Genetics (formerly Invitae), Labcorp
Classification: Likely benign. Last evaluated: 2025-05-15. Review status: criteria provided, single submitter. Criteria: Invitae Variant Classification Sherloc (09022015). Collection method: clinical testing. Allele origin: germline.

PreventionGenetics, part of Exact Sciences
Classification: Likely benign for ITGA3-related condition. Last evaluated: 2019-03-14. Review status: no assertion criteria provided. Collection method: clinical testing. Allele origin: germline. Not counted in ClinVar's aggregate classification.
Comment: This variant is classified as likely benign based on ACMG/AMP sequence variant interpretation guidelines (Richards et al. 2015 PMID: 25741868, with internal and published modifications).